The following is an entry in ClinVar:

ClinVar aggregate classification (germline): Uncertain significance (1 of 4 stars; one submission).

Submission:

GeneDx
Classification: Uncertain significance. Last evaluated: 2019-04-20. Review status: criteria provided, single submitter. Criteria: GeneDx Variant Classification Process June 2021. Collection method: clinical testing. Allele origin: germline. Affected: yes.
Comment: Not observed in large population cohorts (Lek et al., 2016); In silico analysis, which includes protein predictors and evolutionary conservation, supports a deleterious effect; Has not been previously published as pathogenic or benign to our knowledge

NM_022124.6(CDH23):c.7831T>C (p.Phe2611Leu)

Gene: CDH23 (cadherin related 23; plus strand). Cytogenetic location: 10q22.1.
Variant type: single nucleotide variant.
Coding change: c.7831T>C on transcript NM_022124.6 (MANE Select); coding-DNA position 7831, T replaced by C.
Protein change: p.Phe2611Leu; replaces phenylalanine 2611 with leucine.
Molecular consequence: missense variant.
Genome position (GRCh38, 1-based): chr10:71,803,379, T>C. VCF-style: chr10-71803379-T-C. GRCh37 (hg19) VCF-style: chr10-73563136-T-C.
Other names: c.1111T>C, p.Phe371Leu (NM_001171933.1, NM_001171934.1); short protein forms F2611L, F371L.
Identifiers: ClinVar variation 1305153 (VCV001305153.2), dbSNP rs2132978754, ClinGen allele CA377161588.